The following is an entry in ClinVar:

ClinVar aggregate classification (germline): Uncertain significance (1 of 4 stars; one submission).

Allele frequency attached by ClinVar (database versions not stated): gnomAD 0.00003.
gnomAD v4.1: 12 of 1,598,870 alleles (0.00075%); highest among the groups gnomAD compares: African/African-American, 0.0053%; no homozygotes.

Submission:

Labcorp Genetics (formerly Invitae), Labcorp
Classification: Uncertain significance. Last evaluated: 2023-07-19. Review status: criteria provided, single submitter. Criteria: Invitae Variant Classification Sherloc (09022015). Collection method: clinical testing. Allele origin: germline.
Comment: ClinVar contains an entry for this variant (Variation ID: 840777). This sequence change replaces arginine, which is basic and polar, with cysteine, which is neutral and slightly polar, at codon 1892 of the SZT2 protein (p.Arg1892Cys). The frequency data for this variant in the population databases is considered unreliable, as metrics indicate poor data quality at this position in the gnomAD database. This variant has not been reported in the literature in individuals affected with SZT2-related conditions. Advanced modeling of protein sequence and biophysical properties (such as structural, functional, and spatial information, amino acid conservation, physicochemical variation, residue mobility, and thermodynamic stability) performed at Invitae indicates that this missense variant is not expected to disrupt SZT2 protein function. Algorithms developed to predict the effect of sequence changes on RNA splicing suggest that this variant may disrupt the consensus splice site. In summary, the available evidence is currently insufficient to determine the role of this variant in disease. Therefore, it has been classified as a Variant of Uncertain Significance.

NM_001365999.1(SZT2):c.5845C>T (p.Arg1949Cys)

Gene: SZT2 (SZT2 subunit of KICSTOR complex; plus strand). Cytogenetic location: 1p34.2.
Variant type: single nucleotide variant.
Coding change: c.5845C>T on transcript NM_001365999.1 (MANE Select); coding-DNA position 5845, C replaced by T.
Protein change: p.Arg1949Cys; replaces arginine 1949 with cysteine.
Molecular consequence: missense variant.
Genome position (GRCh38, 1-based): chr1:43,434,426, C>T. VCF-style: chr1-43434426-C-T. GRCh37 (hg19) VCF-style: chr1-43900097-C-T.
Other names: c.5674C>T, p.Arg1892Cys (NM_015284.4); short protein forms R1892C, R1949C.
Identifiers: ClinVar variation 840777 (VCV000840777.8), dbSNP rs775747042, ClinGen allele CA809723.